The following is an entry in ClinVar:

ClinVar aggregate classification (germline): Uncertain significance (1 of 4 stars; one submission).

Allele frequency attached by ClinVar (database versions not stated): ExAC 0.00002; gnomAD 0.00003; gnomAD exomes 0.00003; TOPMed 0.00004; ESP Exome Variant Server 0.00009.
gnomAD v4.1: 35 of 1,202,416 alleles (0.0029%); highest among the groups gnomAD compares: Non-Finnish European, 0.0037%; no homozygotes.

Submission:

Labcorp Genetics (formerly Invitae), Labcorp
Classification: Uncertain significance. Last evaluated: 2025-07-30. Review status: criteria provided, single submitter. Criteria: Invitae Variant Classification Sherloc (09022015). Collection method: clinical testing. Allele origin: germline.
Comment: This sequence change replaces arginine, which is basic and polar, with glutamine, which is neutral and polar, at codon 450 of the GRIA3 protein (p.Arg450Gln). The frequency data for this variant in the population databases is considered unreliable, as metrics indicate poor data quality at this position in the gnomAD database. This missense change has been observed in individual(s) with clinical features of GRIA3-related conditions (PMID: 17989220). ClinVar contains an entry for this variant (Variation ID: 2138712). Invitae Evidence Modeling of protein sequence and biophysical properties (such as structural, functional, and spatial information, amino acid conservation, physicochemical variation, residue mobility, and thermodynamic stability) indicates that this missense variant is not expected to disrupt GRIA3 protein function with a negative predictive value of 80%. Experimental studies have shown that this missense change does not substantially affect GRIA3 function (PMID: 17989220). In summary, the available evidence is currently insufficient to determine the role of this variant in disease. Therefore, it has been classified as a Variant of Uncertain Significance.

Literature cited by the submitters: PubMed 17989220.

NM_007325.5(GRIA3):c.1349G>A (p.Arg450Gln)

Gene: GRIA3 (glutamate ionotropic receptor AMPA type subunit 3; plus strand). Cytogenetic location: Xq25.
Variant type: single nucleotide variant.
Coding change: c.1349G>A on transcript NM_007325.5 (MANE Select); coding-DNA position 1349, G replaced by A.
Protein change: p.Arg450Gln; replaces arginine 450 with glutamine.
Molecular consequence: missense variant.
Genome position (GRCh38, 1-based): chrX:123,404,763, G>A. VCF-style: chrX-123404763-G-A. GRCh37 (hg19) VCF-style: chrX-122538614-G-A.
Other names: c.1349G>A, p.Arg450Gln (NM_000828.5); short protein forms R450Q.
Identifiers: ClinVar variation 2138712 (VCV002138712.4), dbSNP rs368568228, ClinGen allele CA10507052.